The following is an entry in ClinVar:

NM_203379.2(ACSL5):c.708T>A (p.Ala236=)

Gene: ACSL5 (acyl-CoA synthetase long chain family member 5; plus strand). Cytogenetic location: 10q25.2.
Variant type: single nucleotide variant.
Coding change: c.708T>A on transcript NM_203379.2 (MANE Select); coding-DNA position 708, T replaced by A.
Protein change: p.Ala236=; no amino-acid change (alanine 236 retained).
Molecular consequence: synonymous variant.
Genome position (GRCh38, 1-based): chr10:112,409,682, T>A. VCF-style: chr10-112409682-T-A. GRCh37 (hg19) VCF-style: chr10-114169440-T-A.
Other names: c.876T>A, p.Ala292= (NM_001387037.1, NM_016234.4); c.708T>A, p.Ala236= (NM_203380.2).
Identifiers: ClinVar variation 3024818 (VCV003024818.22), dbSNP rs375242295, ClinGen allele CA5691591.

ClinVar aggregate classification (germline): Likely benign (1 of 4 stars; one submission).

Allele frequency attached by ClinVar (database versions not stated): gnomAD exomes 0.00003; TOPMed 0.00004; gnomAD 0.00005; ExAC 0.00007; ESP Exome Variant Server 0.00008.
gnomAD v4.1: 52 of 1,613,864 alleles (0.0032%); highest among the groups gnomAD compares: Non-Finnish European, 0.0043%; no homozygotes.

Submission:

CeGaT Center for Human Genetics Tuebingen
Classification: Likely benign. Last evaluated: 2024-02-01. Review status: criteria provided, single submitter. Criteria: CeGaT Center For Human Genetics Tuebingen Variant Classification Criteria Version 2. Collection method: clinical testing. Allele origin: germline. Affected: yes. Observed: 1 variant allele.
Comment: ACSL5: BP4, BP7